The following is an entry in ClinVar:

NM_000124.4(ERCC6):c.1821+1G>A

Gene: ERCC6 (ERCC excision repair 6, chromatin remodeling factor; minus strand). Cytogenetic location: 10q11.23.
Variant type: single nucleotide variant.
Coding change: c.1821+1G>A on transcript NM_000124.4 (MANE Select); the canonical splice donor site of the intron after coding-DNA position 1821, G replaced by A.
Molecular consequence: splice donor variant.
Genome position (GRCh38, 1-based): chr10:49,493,116, C>T on the plus strand (G>A on the coding strand, the complement: ERCC6 is on the minus strand). VCF-style: chr10-49493116-C-T. GRCh37 (hg19) VCF-style: chr10-50701162-C-T.
Other names: c.1821+1G>A (NM_001346440.2).
Identifiers: ClinVar variation 555221 (VCV000555221.10), dbSNP rs1228919836, ClinGen allele CA376726387.

ClinVar aggregate classification (germline): Likely pathogenic. Review status: criteria provided, single submitter (1 of 4 stars). 2 submissions from 2 submitters: Likely pathogenic (1). 1 of the submissions does not count toward it. Last evaluated 2024-02-19.

Conditions:
DE SANCTIS-CACCHIONE SYNDROME. Identifiers: MedGen C0265201, MONDO:0010217, OMIM 278800.
Cockayne syndrome type 2 (CSB). Also called: Cockayne Syndrome, Type II; COCKAYNE SYNDROME B. Identifiers: Orphanet 191, Orphanet 90322, MedGen C0751038, MONDO:0019570, OMIM 133540.
Cerebrooculofacioskeletal syndrome 1 (COFS1). Also called: Cerebro-oculo-facio-skeletal syndrome 1. Identifiers: MedGen C0220722, MONDO:0008955, OMIM 214150.

Allele frequency attached by ClinVar (database versions not stated): gnomAD exomes below 0.00001; gnomAD 0.00001; TOPMed 0.00001.
gnomAD v4.1: 8 of 1,613,904 alleles (0.0005%); highest among the groups gnomAD compares: Non-Finnish European, 0.00059%; no homozygotes.

Submissions (2):

Labcorp Genetics (formerly Invitae), Labcorp
Classification: Likely pathogenic. Last evaluated: 2024-02-19. Review status: criteria provided, single submitter. Criteria: Invitae Variant Classification Sherloc (09022015). Collection method: clinical testing. Allele origin: germline.
Comment: This sequence change affects a donor splice site in intron 8 of the ERCC6 gene. It is expected to disrupt RNA splicing. Variants that disrupt the donor or acceptor splice site typically lead to a loss of protein function (PMID: 16199547), and loss-of-function variants in ERCC6 are known to be pathogenic (PMID: 18628313, 29572252). This variant is present in population databases (no rsID available, gnomAD 0.0009%). This variant has not been reported in the literature in individuals affected with ERCC6-related conditions. ClinVar contains an entry for this variant (Variation ID: 555221). Algorithms developed to predict the effect of sequence changes on RNA splicing suggest that this variant may disrupt the consensus splice site. In summary, the currently available evidence indicates that the variant is pathogenic, but additional data are needed to prove that conclusively. Therefore, this variant has been classified as Likely Pathogenic.

Counsyl
Classification: Likely pathogenic for Cockayne syndrome type 2; Cerebrooculofacioskeletal syndrome 1; DE SANCTIS-CACCHIONE SYNDROME. Last evaluated: 2017-11-29. Review status: no assertion criteria provided. Collection method: clinical testing. Allele origin: unknown. Not counted in ClinVar's aggregate classification.

Literature cited by the submitters: PubMed 16199547 (cited by Labcorp Genetics (formerly Invitae), Labcorp); PubMed 18628313 (cited by Labcorp Genetics (formerly Invitae), Labcorp); PubMed 29572252 (cited by Labcorp Genetics (formerly Invitae), Labcorp).